The following is an entry in ClinVar:

ClinVar aggregate classification (germline): Benign. Review status: criteria provided, multiple submitters, no conflicts (2 of 4 stars). 2 submissions from 2 submitters: Benign (2). Last evaluated 2018-06-14.

Allele frequency attached by ClinVar (database versions not stated): gnomAD 0.24231; 1000 Genomes Project 30x 0.25874; TOPMed 0.25126; 1000 Genomes Project 0.26717.

Submissions (2):

GeneDx
Classification: Benign. Last evaluated: 2018-06-14. Review status: criteria provided, single submitter. Criteria: GeneDx Variant Classification (06012015). Collection method: clinical testing. Allele origin: germline. Affected: yes.
Comment: This variant is considered likely benign or benign based on one or more of the following criteria: it is a conservative change, it occurs at a poorly conserved position in the protein, it is predicted to be benign by multiple in silico algorithms, and/or has population frequency not consistent with disease.

Breakthrough Genomics
Classification: Benign. Review status: criteria provided, single submitter. Criteria: ACMG Guidelines, 2015. Collection method: not provided. Allele origin: germline. Inheritance: Autosomal recessive inheritance. Affected: yes.

NM_001008215.2(COA5):c.-130G>C

Gene: COA5 (cytochrome c oxidase assembly factor 5; minus strand). Cytogenetic location: 2q11.2.
Variant type: single nucleotide variant.
Coding change: c.-130G>C on transcript NM_001008215.2; 130 bases upstream of the start codon, G replaced by C.
Genome position (GRCh38, 1-based): chr2:98,608,535, C>G on the plus strand (G>C on the coding strand, the complement: COA5 is on the minus strand). VCF-style: chr2-98608535-C-G. GRCh37 (hg19) VCF-style: chr2-99224998-C-G.
Identifiers: ClinVar variation 671644 (VCV000671644.4), dbSNP rs17034241, ClinGen allele CA11021193.